The following is an entry in ClinVar:

ClinVar aggregate classification (germline): Pathogenic (1 of 4 stars; one submission).

Conditions:
Mitral valve prolapse, myxomatous 2. Also called: Mitral valve prolapse 2; MMVP2. Identifiers: MedGen C1843003, MONDO:0011915, OMIM 607829.

Submission:

Baylor Genetics
Classification: Pathogenic for Mitral valve prolapse, myxomatous 2. Last evaluated: 2019-11-14. Review status: criteria provided, single submitter. Criteria: ACMG Guidelines, 2015. Collection method: clinical testing. Allele origin: unknown. Affected: yes.
Comment: This variant was determined to be pathogenic according to ACMG Guidelines, 2015 [PMID:25741868].

NM_003737.4(DCHS1):c.5679C>A (p.Tyr1893Ter)

Gene: DCHS1 (dachsous cadherin-related 1; minus strand). Cytogenetic location: 11p15.4.
Variant type: single nucleotide variant.
Coding change: c.5679C>A on transcript NM_003737.4 (MANE Select); coding-DNA position 5679, C replaced by A.
Protein change: p.Tyr1893Ter; replaces tyrosine 1893 with a stop codon.
Molecular consequence: nonsense.
Genome position (GRCh38, 1-based): chr11:6,627,360, G>T on the plus strand (C>A on the coding strand, the complement: DCHS1 is on the minus strand). VCF-style: chr11-6627360-G-T. GRCh37 (hg19) VCF-style: chr11-6648591-G-T.
Other names: short protein forms Y1893*.
Identifiers: ClinVar variation 1028154 (VCV001028154.1), dbSNP rs959285916, ClinGen allele CA379393428.